The following is an entry in ClinVar:

NM_001844.5(COL2A1):c.3166-2_3166-1del

Gene: COL2A1 (collagen type II alpha 1 chain; minus strand). Cytogenetic location: 12q13.11.
Variant type: Deletion.
Coding change: c.3166-2_3166-1del on transcript NM_001844.5 (MANE Select); the canonical splice acceptor site of the intron before coding-DNA position 3166, 2 bases deleted (AG; older notation c.3166-2_3166-1delAG).
Molecular consequence: splice acceptor variant.
Genome position (GRCh38, 1-based): chr12:47,977,428-47,977,429, CT deleted on the plus strand (AG on the coding strand, the reverse complement: COL2A1 is on the minus strand). VCF-style (leftmost placement, unchanged base first): chr12-47977427-CCT-C. GRCh37 (hg19) VCF-style: chr12-48371210-CCT-C.
Other names: c.2959-2_2959-1del (NM_033150.3).
Identifiers: ClinVar variation 1066244 (VCV001066244.7), dbSNP rs2136521786, ClinGen allele CA2499221655.
Genomic context (GRCh38, chr12:47,977,427, plus strand): 5'-GGGAGCCAGGGGGCCCAGGGGCTCCAGGAGCTCCCACAGCACCAGTCTCACCACGATCAC[CCT>C]GTCAGGAGAGAGGTCTCAGGCTCAGAGAAGAATGTTCCAGAAGAGACAGGAACAGAAGGT-3'

ClinVar aggregate classification (germline): Likely pathogenic (1 of 4 stars; one submission).

Submission:

Labcorp Genetics (formerly Invitae), Labcorp
Classification: Likely pathogenic. Last evaluated: 2022-07-26. Review status: criteria provided, single submitter. Criteria: Invitae Variant Classification Sherloc (09022015). Collection method: clinical testing. Allele origin: germline.
Comment: In summary, the currently available evidence indicates that the variant is pathogenic, but additional data are needed to prove that conclusively. Therefore, this variant has been classified as Likely Pathogenic. Algorithms developed to predict the effect of sequence changes on RNA splicing suggest that this variant may disrupt the consensus splice site. ClinVar contains an entry for this variant (Variation ID: 1066244). This variant has not been reported in the literature in individuals affected with COL2A1-related conditions. This variant is not present in population databases (gnomAD no frequency). This sequence change affects a splice site in intron 45 of the COL2A1 gene. It is expected to disrupt RNA splicing. Variants that disrupt the donor or acceptor splice site typically lead to a loss of protein function (PMID: 16199547), and loss-of-function variants in COL2A1 are known to be pathogenic (PMID: 20179744).

Literature cited by the submitters: PubMed 16199547; PubMed 20179744.